The following is an entry in ClinVar:

NM_001204.7(BMPR2):c.2189A>G (p.Gln730Arg)

Gene: BMPR2 (bone morphogenetic protein receptor type 2; plus strand). Cytogenetic location: 2q33.2.
Variant type: single nucleotide variant.
Coding change: c.2189A>G on transcript NM_001204.7 (MANE Select); coding-DNA position 2189, A replaced by G.
Protein change: p.Gln730Arg; replaces glutamine 730 with arginine.
Molecular consequence: missense variant.
Genome position (GRCh38, 1-based): chr2:202,555,854, A>G. VCF-style: chr2-202555854-A-G. GRCh37 (hg19) VCF-style: chr2-203420577-A-G.
Other names: short protein forms Q730R.
Identifiers: ClinVar variation 4824932 (VCV004824932.1).

ClinVar aggregate classification (germline): Uncertain significance (1 of 4 stars; one submission).

Conditions:
Inborn genetic diseases. Identifiers: MedGen C0950123, MeSH D030342.

Submission:

Ambry Genetics
Classification: Uncertain significance for Inborn genetic diseases. Last evaluated: 2026-02-19. Review status: criteria provided, single submitter. Criteria: Ambry Variant Classification Scheme 2023. Collection method: clinical testing. Allele origin: germline.
Comment: The p.Q730R variant (also known as c.2189A>G), located in coding exon 12 of the BMPR2 gene, results from an A to G substitution at nucleotide position 2189. The glutamine at codon 730 is replaced by arginine, an amino acid with highly similar properties. This amino acid position is conserved. In addition, the in silico prediction for this alteration is inconclusive. Based on the available evidence, the clinical significance of this variant remains unclear.